The following is an entry in ClinVar:

ClinVar aggregate classification (germline): Likely pathogenic (1 of 4 stars; one submission).

Conditions:
Hereditary breast ovarian cancer syndrome. Also called: Hereditary breast and ovarian cancer syndrome (HBOC); Breast and ovarian cancer; Hereditary breast and/or ovarian cancer syndrome; Hereditary breast and ovarian cancer; BRCA1- and BRCA2-Associated Hereditary Breast and Ovarian Cancer; Hereditary breast and ovarian cancer syndrome. Identifiers: Orphanet 145, MedGen C0677776, MeSH D061325, MONDO:0003582. Disease mechanism: loss of function.

Submission:

Labcorp Genetics (formerly Invitae), Labcorp
Classification: Likely pathogenic for Hereditary breast ovarian cancer syndrome. Last evaluated: 2021-11-26. Review status: criteria provided, single submitter. Criteria: Invitae Variant Classification Sherloc (09022015). Collection method: clinical testing. Allele origin: germline.
Comment: In summary, the currently available evidence indicates that the variant is pathogenic, but additional data are needed to prove that conclusively. Therefore, this variant has been classified as Likely Pathogenic. Experimental studies and prediction algorithms are not available or were not evaluated, and the functional significance of this variant is currently unknown. This variant has not been reported in the literature in individuals affected with BRCA1-related conditions. This variant results in a copy number gain of the genomic region encompassing exon(s) 7-8 of the BRCA1 gene. While the exact position of this variant cannot be determined from the data, sub-genic copy number gains are generally in tandem (PMID: 25640679). This variant is predicted to be out-of-frame, and may result in an absent or disrupted protein product. Loss-of-function variants in BRCA1 are known to be pathogenic (PMID: 20104584).

Literature cited by the submitters: PubMed 25640679; PubMed 20104584.

NC_000017.10:g.(?_41249241)_(41251921_?)dup

Gene: BRCA1 (BRCA1 DNA repair associated; minus strand). Cytogenetic location: 17q21.31.
Variant type: Duplication.
Identifiers: ClinVar variation 2425724 (VCV002425724.7).